The following is an entry in ClinVar:

NM_000136.3(FANCC):c.21T>A (p.Asp7Glu)

Gene: FANCC (FA complementation group C; minus strand). Cytogenetic location: 9q22.32.
Variant type: single nucleotide variant.
Coding change: c.21T>A on transcript NM_000136.3 (MANE Select); coding-DNA position 21, T replaced by A.
Protein change: p.Asp7Glu; replaces aspartic acid 7 with glutamic acid.
Molecular consequence: missense variant.
Genome position (GRCh38, 1-based): chr9:95,249,271, A>T on the plus strand (T>A on the coding strand, the complement: FANCC is on the minus strand). VCF-style: chr9-95249271-A-T. GRCh37 (hg19) VCF-style: chr9-98011553-A-T.
Other names: c.21T>A, p.Asp7Glu (NM_001243743.2, NM_001243744.2); short protein forms D7E.
Identifiers: ClinVar variation 2143434 (VCV002143434.1), dbSNP rs2542863759, ClinGen allele CA374340511.

ClinVar aggregate classification (germline): Uncertain significance (1 of 4 stars; one submission).

Conditions:
Fanconi anemia (FA). Also called: Fanconi's anemia. Identifiers: Orphanet 84, MedGen C0015625, MeSH D005199, MONDO:0019391.

Allele frequency attached by ClinVar (database versions not stated): gnomAD exomes below 0.00001.
gnomAD v4.1: 2 of 1,614,092 alleles (0.00012%); highest among the groups gnomAD compares: East Asian, 0.0045%; no homozygotes.

Submission:

Labcorp Genetics (formerly Invitae), Labcorp
Classification: Uncertain significance for Fanconi anemia. Last evaluated: 2022-07-21. Review status: criteria provided, single submitter. Criteria: Invitae Variant Classification Sherloc (09022015). Collection method: clinical testing. Allele origin: germline.
Comment: This sequence change replaces aspartic acid, which is acidic and polar, with glutamic acid, which is acidic and polar, at codon 7 of the FANCC protein (p.Asp7Glu). This variant is not present in population databases (gnomAD no frequency). This variant has not been reported in the literature in individuals affected with FANCC-related conditions. Algorithms developed to predict the effect of missense changes on protein structure and function are either unavailable or do not agree on the potential impact of this missense change (SIFT: "Deleterious"; PolyPhen-2: "Benign"; Align-GVGD: "Class C0"). In summary, the available evidence is currently insufficient to determine the role of this variant in disease. Therefore, it has been classified as a Variant of Uncertain Significance.